The following is an entry in ClinVar:

ClinVar aggregate classification (germline): Uncertain significance. Review status: criteria provided, multiple submitters, no conflicts (2 of 4 stars). 2 submissions from 2 submitters: Uncertain significance (2). Last evaluated 2023-07-18.

Submissions (2):

GeneDx
Classification: Uncertain significance. Last evaluated: 2023-07-18. Review status: criteria provided, single submitter. Criteria: GeneDx Variant Classification Process June 2021. Collection method: clinical testing. Allele origin: germline. Affected: yes.
Comment: In-frame deletion of 1 amino acid in a non-repeat region; In silico analysis supports that this variant does not alter protein structure/function; Has not been previously published as pathogenic or benign to our knowledge

Labcorp Genetics (formerly Invitae), Labcorp
Classification: Uncertain significance. Last evaluated: 2022-06-08. Review status: criteria provided, single submitter. Criteria: Invitae Variant Classification Sherloc (09022015). Collection method: clinical testing. Allele origin: germline.
Comment: This variant, c.1106_1108del, results in the deletion of 1 amino acid(s) of the PLVAP protein (p.Lys369del), but otherwise preserves the integrity of the reading frame. This variant is present in population databases (no rsID available, gnomAD 0.006%). This variant has not been reported in the literature in individuals affected with PLVAP-related conditions. Experimental studies and prediction algorithms are not available or were not evaluated, and the functional significance of this variant is currently unknown. In summary, the available evidence is currently insufficient to determine the role of this variant in disease. Therefore, it has been classified as a Variant of Uncertain Significance.

NM_031310.3(PLVAP):c.1100AGA[2] (p.Lys369del)

Gene: PLVAP (plasmalemma vesicle associated protein; minus strand). Cytogenetic location: 19p13.11.
Variant type: Microsatellite.
Coding change: c.1100AGA[2] on transcript NM_031310.3 (MANE Select); two copies in a row of the 3-base unit AGA starting at c.1100; the reference has three copies in a row; one copy, 3 bases deleted; also written c.1106_1108del.
Protein change: p.Lys369del; deletes lysine 369.
Molecular consequence: inframe deletion.
Genome position (GRCh38, 1-based): chr19:17,365,357-17,365,359, TCT deleted on the plus strand (AGA on the coding strand, the reverse complement: PLVAP is on the minus strand); deleting any 3 consecutive bases within chr19:17,365,357-17,365,365 gives the same sequence; the position shown is the placement nearest the transcript's 3' end. VCF-style (leftmost placement, unchanged base first): chr19-17365356-CTCT-C. GRCh37 (hg19) VCF-style: chr19-17476165-CTCT-C.
Other names: c.1106_1108del (NM_031310.2); short protein forms K369del.
Identifiers: ClinVar variation 2066102 (VCV002066102.2), dbSNP rs1383038024, ClinGen allele CA632134464.
Genomic context (GRCh38, chr19:17,365,356, plus strand): 5'-ATGCAGGTGTCCAGGGCTGAGTTTCTGATGGCCAGCTCCATCCTGAGCTGCTCCGCCTCC[CTCT>C]TCTTCTCTTCCAGCTCCTTGGCCAGGTTGTCTCGTTCCTTCCGCAGCACCGCCTTCTCCT-3'